The following is an entry in ClinVar:

ClinVar aggregate classification (germline): Benign/Likely benign. Review status: criteria provided, multiple submitters, no conflicts (2 of 4 stars). 3 submissions from 3 submitters: Benign (1); Likely benign (2). Last evaluated 2026-01-11.

Conditions:
Factor VII deficiency. Also called: Factor 7 deficiency; F7 DEFICIENCY; HYPOPROCONVERTINEMIA. Identifiers: MedGen C0015503, MeSH D005168, MONDO:0002244.

Allele frequency attached by ClinVar (database versions not stated): gnomAD exomes 0.00107 and 0.00288; ExAC 0.00501; gnomAD 0.01021 and 0.01072; TOPMed 0.01083; ESP Exome Variant Server 0.01199; 1000 Genomes Project 0.01238; 1000 Genomes Project 30x 0.01327.
gnomAD v4.1: 3,161 of 1,606,486 alleles (0.2%); highest among the groups gnomAD compares: African/African-American, 3.4%; 62 homozygotes.

Submissions (3):

Labcorp Genetics (formerly Invitae), Labcorp
Classification: Benign. Last evaluated: 2026-01-11. Review status: criteria provided, single submitter. Criteria: Invitae Variant Classification Sherloc (09022015). Collection method: clinical testing. Allele origin: germline.

Illumina Laboratory Services, Illumina
Classification: Likely benign for Congenital factor VII deficiency. Last evaluated: 2017-04-27. Review status: criteria provided, single submitter. Criteria: ICSL Variant Classification Criteria 13 December 2019. Collection method: clinical testing. Allele origin: germline.
Comment: This variant was observed as part of a predisposition screen in an ostensibly healthy population. A literature search was performed for the gene, cDNA change, and amino acid change (where applicable). No publications were found based on this search. Allele frequency data from public databases allowed determination this variant is unlikely to cause disease. Therefore, this variant is classified as likely benign.

Breakthrough Genomics
Classification: Likely benign. Review status: criteria provided, single submitter. Criteria: ACMG Guidelines, 2015. Collection method: not provided. Allele origin: germline. Inheritance: Autosomal recessive inheritance. Affected: yes.

NM_000131.5(F7):c.108G>A (p.Pro36=)

Gene: F7 (coagulation factor VII; plus strand). Cytogenetic location: 13q34.
Variant type: single nucleotide variant.
Coding change: c.108G>A on transcript NM_000131.5 (MANE Plus Clinical); coding-DNA position 108, G replaced by A.
Protein change: p.Pro36=; no amino-acid change (proline 36 retained).
Molecular consequence: synonymous variant. On other transcripts: intron variant (2).
Genome position (GRCh38, 1-based): chr13:113,106,888, G>A. VCF-style: chr13-113106888-G-A. GRCh37 (hg19) VCF-style: chr13-113761202-G-A.
Other names: c.64+983G>A (NM_019616.4, NM_001267554.2).
Identifiers: ClinVar variation 311220 (VCV000311220.10), dbSNP rs3093238, ClinGen allele CA7059844.